The following is an entry in ClinVar:

ClinVar aggregate classification (germline): Uncertain significance (1 of 4 stars; one submission).

Conditions:
Atrioventricular septal defect 4 (AVSD4). Identifiers: MedGen C3280781, MONDO:0013747, OMIM 614430.

Allele frequency attached by ClinVar (database versions not stated): gnomAD exomes below 0.00001.
gnomAD v4.1: 3 of 1,614,202 alleles (0.00019%); highest among the groups gnomAD compares: Admixed American, 0.005%; no homozygotes.

Submission:

Labcorp Genetics (formerly Invitae), Labcorp
Classification: Uncertain significance for Atrioventricular septal defect 4. Last evaluated: 2026-01-25. Review status: criteria provided, single submitter. Criteria: Invitae Variant Classification Sherloc (09022015). Collection method: clinical testing. Allele origin: germline.
Comment: This sequence change replaces histidine, which is basic and polar, with tyrosine, which is neutral and polar, at codon 373 of the GATA4 protein (p.His373Tyr). This variant is present in population databases (no rsID available, gnomAD 0.009%). This variant has not been reported in the literature in individuals affected with GATA4-related conditions. ClinVar contains an entry for this variant (Variation ID: 2197634). Invitae Evidence Modeling of protein sequence and biophysical properties (such as structural, functional, and spatial information, amino acid conservation, physicochemical variation, residue mobility, and thermodynamic stability) indicates that this missense variant is not expected to disrupt GATA4 protein function with a negative predictive value of 95%. In summary, the available evidence is currently insufficient to determine the role of this variant in disease. Therefore, it has been classified as a Variant of Uncertain Significance.

NM_001308093.3(GATA4):c.1120C>T (p.His374Tyr)

Gene: GATA4 (GATA binding protein 4). Cytogenetic location: 8p23.1.
Variant type: single nucleotide variant.
Coding change: c.1120C>T on transcript NM_001308093.3 (MANE Select); coding-DNA position 1120, C replaced by T.
Protein change: p.His374Tyr; replaces histidine 374 with tyrosine.
Molecular consequence: missense variant.
Genome position (GRCh38, 1-based): chr8:11,757,054, C>T. VCF-style: chr8-11757054-C-T. GRCh37 (hg19) VCF-style: chr8-11614563-C-T.
Other names: c.499C>T, p.His167Tyr (NM_001308094.2, NM_001374273.1); c.373C>T, p.His125Tyr (NM_001374274.1); c.1117C>T, p.His373Tyr (NM_002052.5); short protein forms H374Y, H167Y, H373Y, H125Y.
Identifiers: ClinVar variation 2197634 (VCV002197634.4), dbSNP rs913225830, ClinGen allele CA172120462.